The following is an entry in ClinVar:

NM_001005273.3(CHD3):c.3313C>T (p.Arg1105Cys)

Gene: CHD3 (chromodomain helicase DNA binding protein 3; plus strand). Cytogenetic location: 17p13.1.
Variant type: single nucleotide variant.
Coding change: c.3313C>T on transcript NM_001005273.3 (MANE Select); coding-DNA position 3313, C replaced by T.
Protein change: p.Arg1105Cys; replaces arginine 1105 with cysteine.
Molecular consequence: missense variant.
Genome position (GRCh38, 1-based): chr17:7,902,670, C>T. VCF-style: chr17-7902670-C-T. GRCh37 (hg19) VCF-style: chr17-7805988-C-T.
Other names: c.3490C>T, p.Arg1164Cys (NM_001005271.3); c.3313C>T, p.Arg1105Cys (NM_005852.4); short protein forms R1105C, R1164C.
Identifiers: ClinVar variation 2430762 (VCV002430762.2), dbSNP rs2544992380, ClinGen allele CA397941596.

ClinVar aggregate classification (germline): Uncertain significance (1 of 4 stars; one submission).

Allele frequency attached by ClinVar (database versions not stated): gnomAD exomes below 0.00001.
gnomAD v4.1: 1 of 1,614,050 alleles (0.000062%); highest among the groups gnomAD compares: Non-Finnish European, 0.000085%; no homozygotes.

Submission:

GeneDx
Classification: Uncertain significance. Last evaluated: 2026-01-14. Review status: criteria provided, single submitter. Criteria: GeneDx Variant Classification Process June 2021. Collection method: clinical testing. Allele origin: germline.
Comment: Not observed at significant frequency in large population cohorts (gnomAD); In silico analysis supports that this missense variant has a deleterious effect on protein structure/function; Has not been previously published as pathogenic or benign to our knowledge